The following is an entry in ClinVar:

ClinVar aggregate classification (germline): Uncertain significance (1 of 4 stars; one submission).

Conditions:
Familial temporal lobe epilepsy 7. Identifiers: Orphanet 101046, MedGen C4225327, MONDO:0014639, OMIM 616436.
Norman-Roberts syndrome (LIS2). Also called: Lissencephaly 2 (Norman-Roberts type). Identifiers: Orphanet 89844, MedGen C0796089, MONDO:0009760, OMIM 257320.

Submission:

Labcorp Genetics (formerly Invitae), Labcorp
Classification: Uncertain significance for Familial temporal lobe epilepsy 7; Norman-Roberts syndrome. Last evaluated: 2023-07-12. Review status: criteria provided, single submitter. Criteria: Invitae Variant Classification Sherloc (09022015). Collection method: clinical testing. Allele origin: germline.
Comment: In summary, the available evidence is currently insufficient to determine the role of this variant in disease. Therefore, it has been classified as a Variant of Uncertain Significance. Advanced modeling of protein sequence and biophysical properties (such as structural, functional, and spatial information, amino acid conservation, physicochemical variation, residue mobility, and thermodynamic stability) has been performed at Invitae for this missense variant, however the output from this modeling did not meet the statistical confidence thresholds required to predict the impact of this variant on RELN protein function. This variant has not been reported in the literature in individuals affected with RELN-related conditions. This variant is not present in population databases (gnomAD no frequency). This sequence change replaces cysteine, which is neutral and slightly polar, with tyrosine, which is neutral and polar, at codon 2058 of the RELN protein (p.Cys2058Tyr).

NM_005045.4(RELN):c.6173G>A (p.Cys2058Tyr)

Gene: RELN (reelin; minus strand). Cytogenetic location: 7q22.1.
Variant type: single nucleotide variant.
Coding change: c.6173G>A on transcript NM_005045.4 (MANE Select); coding-DNA position 6173, G replaced by A.
Protein change: p.Cys2058Tyr; replaces cysteine 2058 with tyrosine.
Molecular consequence: missense variant.
Genome position (GRCh38, 1-based): chr7:103,551,196, C>T on the plus strand (G>A on the coding strand, the complement: RELN is on the minus strand). VCF-style: chr7-103551196-C-T. GRCh37 (hg19) VCF-style: chr7-103191643-C-T.
Other names: c.6173G>A, p.Cys2058Tyr (NM_173054.3); short protein forms C2058Y.
Identifiers: ClinVar variation 2935076 (VCV002935076.3), dbSNP rs2484717499, ClinGen allele CA368738262.
Genomic context (GRCh38, chr7:103,551,196, plus strand): 5'-GTGCTGCTGGGGTGGTGCTCGGTGGAGCATAAAGAGCTGACGTGGCTGCTGCTGTGGTAG[C>T]AGAGGGGCAGCAGAAGGTGCCAGGTCGCCCCGAAGTCCCTTGAAAATTCCAGTCTCACTG-3'
Protein context (NP_005036.2, residues 2048-2068): GATWHLLLPL[Cys2058Tyr]YHSSSHVSSL